The following is an entry in ClinVar:

ClinVar aggregate classification (germline): Uncertain significance (1 of 4 stars; one submission).

Conditions:
Severe early-onset pulmonary alveolar proteinosis due to MARS deficiency. Also called: PULMONARY ALVEOLAR PROTEINOSIS, REUNION ISLAND; Interstitial lung and liver disease. Identifiers: Orphanet 440427, MedGen C4225400, MONDO:0014206, OMIM 615486.
Charcot-Marie-Tooth disease axonal type 2U. Also called: CHARCOT-MARIE-TOOTH NEUROPATHY, TYPE 2U; CHARCOT-MARIE-TOOTH DISEASE, AXONAL, AUTOSOMAL DOMINANT, TYPE 2U. Identifiers: Orphanet 397735, MedGen C4084821, MONDO:0014566, OMIM 616280.

Submission:

Labcorp Genetics (formerly Invitae), Labcorp
Classification: Uncertain significance for Charcot-Marie-Tooth disease axonal type 2U; Severe early-onset pulmonary alveolar proteinosis due to MARS deficiency. Last evaluated: 2023-11-27. Review status: criteria provided, single submitter. Criteria: Invitae Variant Classification Sherloc (09022015). Collection method: clinical testing. Allele origin: germline.
Comment: This sequence change replaces cysteine, which is neutral and slightly polar, with glycine, which is neutral and non-polar, at codon 133 of the MARS protein (p.Cys133Gly). This variant is not present in population databases (gnomAD no frequency). This variant has not been reported in the literature in individuals affected with MARS-related conditions. ClinVar contains an entry for this variant (Variation ID: 2084349). An algorithm developed to predict the effect of missense changes on protein structure and function (PolyPhen-2) suggests that this variant is likely to be tolerated. In summary, the available evidence is currently insufficient to determine the role of this variant in disease. Therefore, it has been classified as a Variant of Uncertain Significance.

NM_004990.4(MARS1):c.397T>G (p.Cys133Gly)

Gene: MARS1 (methionyl-tRNA synthetase 1; plus strand). Cytogenetic location: 12q13.3.
Variant type: single nucleotide variant.
Coding change: c.397T>G on transcript NM_004990.4 (MANE Select); coding-DNA position 397, T replaced by G.
Protein change: p.Cys133Gly; replaces cysteine 133 with glycine.
Molecular consequence: missense variant.
Genome position (GRCh38, 1-based): chr12:57,489,541, T>G. VCF-style: chr12-57489541-T-G. GRCh37 (hg19) VCF-style: chr12-57883324-T-G.
Other names: short protein forms C133G.
Identifiers: ClinVar variation 2084349 (VCV002084349.4), dbSNP rs1875763591, ClinGen allele CA385491435.